The following is an entry in ClinVar:

ClinVar aggregate classification (germline): Likely benign (1 of 4 stars; one submission).

Submission:

CeGaT Center for Human Genetics Tuebingen
Classification: Likely benign. Last evaluated: 2026-01-01. Review status: criteria provided, single submitter. Criteria: CeGaT Center For Human Genetics Tuebingen Variant Classification Criteria Version 2. Collection method: clinical testing. Allele origin: germline. Affected: yes. Observed: 1 variant allele.
Comment: LTBP4: PM2:Supporting, BP4, BP7

NM_001042545.2(LTBP4):c.3633A>C (p.Ser1211=)

Gene: LTBP4 (latent transforming growth factor beta binding protein 4; plus strand). Cytogenetic location: 19q13.2.
Variant type: single nucleotide variant.
Coding change: c.3633A>C on transcript NM_001042545.2 (MANE Select); coding-DNA position 3633, A replaced by C.
Protein change: p.Ser1211=; no amino-acid change (serine 1211 retained).
Molecular consequence: synonymous variant.
Genome position (GRCh38, 1-based): chr19:40,623,680, A>C. VCF-style: chr19-40623680-A-C. GRCh37 (hg19) VCF-style: chr19-41129585-A-C.
Other names: c.3834A>C, p.Ser1278= (NM_001042544.1); c.3723A>C, p.Ser1241= (NM_003573.2).
Identifiers: ClinVar variation 4822718 (VCV004822718.4).